The following is an entry in ClinVar:

ClinVar aggregate classification (germline): Uncertain significance (1 of 4 stars; one submission).

Conditions:
Familial hypercholesterolemia. Also called: Familial hypercholesterolaemia. Identifiers: MedGen C0020445, MONDO:0005439.

Allele frequency attached by ClinVar (database versions not stated): gnomAD exomes 0.00001.
gnomAD v4.1: 9 of 1,612,186 alleles (0.00056%); highest among the groups gnomAD compares: Non-Finnish European, 0.00076%; no homozygotes.

Submission:

Color Diagnostics, LLC DBA Color Health
Classification: Uncertain significance for Familial hypercholesterolemia. Last evaluated: 2024-03-06. Review status: criteria provided, single submitter. Criteria: ACMG Guidelines, 2015. Collection method: clinical testing. Allele origin: germline.
Comment: This missense variant replaces threonine with serine at codon 459 of the PCSK9 protein. Computational prediction suggests that this variant may not impact protein structure and function (internally defined REVEL score threshold <= 0.5, PMID: 27666373). Splice site prediction tools suggest that this variant may not impact RNA splicing. To our knowledge, functional studies have not been performed for this variant. This variant has not been reported in individuals affected with familial hypercholesterolemia in the literature. This variant has not been identified in the general population by the Genome Aggregation Database (gnomAD). The available evidence is insufficient to determine the role of this variant in disease conclusively. Therefore, this variant is classified as a Variant of Uncertain Significance.

NM_174936.4(PCSK9):c.1376C>G (p.Thr459Ser)

Gene: PCSK9 (proprotein convertase subtilisin/kexin type 9; plus strand). Cytogenetic location: 1p32.3.
Variant type: single nucleotide variant.
Coding change: c.1376C>G on transcript NM_174936.4 (MANE Select); coding-DNA position 1376, C replaced by G.
Protein change: p.Thr459Ser; replaces threonine 459 with serine.
Molecular consequence: missense variant.
Genome position (GRCh38, 1-based): chr1:55,058,520, C>G. VCF-style: chr1-55058520-C-G. GRCh37 (hg19) VCF-style: chr1-55524193-C-G.
Other names: c.1499C>G, p.Thr500Ser (NM_001407240.1); c.1376C>G, p.Thr459Ser (NM_001407241.1); c.1379C>G, p.Thr460Ser (NM_001407242.1); c.1319C>G, p.Thr440Ser (NM_001407243.1); c.1202C>G, p.Thr401Ser (NM_001407244.1); c.1184C>G, p.Thr395Ser (NM_001407245.1); c.1001C>G, p.Thr334Ser (NM_001407246.1); short protein forms T459S, T401S, T500S, T395S, T334S, T440S, T460S.
Identifiers: ClinVar variation 921996 (VCV000921996.5), dbSNP rs1644733348, ClinGen allele CA340478617.